The following is an entry in ClinVar:

ClinVar aggregate classification (germline): Uncertain significance (1 of 4 stars; one submission).

Conditions:
Adenylosuccinate lyase deficiency (ADSLD). Also called: ADSL DEFICIENCY. Identifiers: Orphanet 46, MedGen C0268126, MONDO:0007068, OMIM 103050.

Allele frequency attached by ClinVar (database versions not stated): TOPMed below 0.00001; gnomAD 0.00001.

Submission:

Labcorp Genetics (formerly Invitae), Labcorp
Classification: Uncertain significance for Adenylosuccinate lyase deficiency. Last evaluated: 2023-09-01. Review status: criteria provided, single submitter. Criteria: Invitae Variant Classification Sherloc (09022015). Collection method: clinical testing. Allele origin: germline.
Comment: In summary, the available evidence is currently insufficient to determine the role of this variant in disease. Therefore, it has been classified as a Variant of Uncertain Significance. Experimental studies and prediction algorithms are not available or were not evaluated, and the functional significance of this variant is currently unknown. This variant occurs in a non-coding region of the ADSL gene. It does not change the encoded amino acid sequence of the ADSL protein. This variant is not present in population databases (gnomAD no frequency). This variant has not been reported in the literature in individuals affected with ADSL-related conditions.

NC_000022.11:g.40345954T>C

Gene: ADSL (adenylosuccinate lyase; plus strand). Cytogenetic location: 22q13.1.
Variant type: single nucleotide variant.
Genome position: GRCh38 VCF-style: chr22-40345954-T-C. GRCh37 (hg19) VCF-style: chr22-40741958-T-C.
Identifiers: ClinVar variation 1935053 (VCV001935053.6), dbSNP rs1480513913, ClinGen allele CA753179766.